The following is an entry in ClinVar:

ClinVar aggregate classification (germline): Uncertain significance (1 of 4 stars; one submission).

Conditions:
Amyotrophic lateral sclerosis type 1 (ALS1). Also called: AMYOTROPHIC LATERAL SCLEROSIS 1, FAMILIAL. Identifiers: Orphanet 803, MedGen C1862939, MONDO:0007103, OMIM 105400.
Neuronopathy, distal hereditary motor, type 7B. Also called: HMN VIIB; LOWER MOTOR NEURON DISEASE, DYNACTIN TYPE; NEURONOPATHY, DISTAL HEREDITARY MOTOR, AUTOSOMAL DOMINANT 14; NEURONOPATHY, DISTAL HEREDITARY MOTOR, HARDING TYPE VIIB; NEUROPATHY, DISTAL HEREDITARY MOTOR, HARDING TYPE VIIB; NEUROPATHY, DISTAL HEREDITARY MOTOR, WITH VOCAL CORD PARALYSIS, HARDING TYPE VIIB. Identifiers: Orphanet 139589, MedGen C1843315, MONDO:0011879, OMIM 607641.
Perry syndrome. Also called: PARKINSONISM WITH ALVEOLAR HYPOVENTILATION AND MENTAL DEPRESSION. Identifiers: Orphanet 178509, MedGen C1868594, MONDO:0008201, OMIM 168605.

Submission:

Labcorp Genetics (formerly Invitae), Labcorp
Classification: Uncertain significance for Amyotrophic lateral sclerosis type 1; Neuronopathy, distal hereditary motor, type 7B; Perry syndrome. Last evaluated: 2023-04-22. Review status: criteria provided, single submitter. Criteria: Invitae Variant Classification Sherloc (09022015). Collection method: clinical testing. Allele origin: germline.
Comment: This variant is not present in population databases (gnomAD no frequency). This sequence change affects codon 131 of the DCTN1 mRNA. It is a 'silent' change, meaning that it does not change the encoded amino acid sequence of the DCTN1 protein. This variant also falls at the last nucleotide of exon 4, which is part of the consensus splice site for this exon. This variant has not been reported in the literature in individuals affected with DCTN1-related conditions. Variants that disrupt the consensus splice site are a relatively common cause of aberrant splicing (PMID: 17576681, 9536098). Algorithms developed to predict the effect of sequence changes on RNA splicing suggest that this variant may disrupt the consensus splice site. In summary, the available evidence is currently insufficient to determine the role of this variant in disease. Therefore, it has been classified as a Variant of Uncertain Significance.

Literature cited by the submitters: PubMed 17576681; PubMed 9536098.

NM_004082.5(DCTN1):c.393G>A (p.Leu131=)

Gene: DCTN1 (dynactin subunit 1; minus strand). Cytogenetic location: 2p13.1.
Variant type: single nucleotide variant.
Coding change: c.393G>A on transcript NM_004082.5 (MANE Select); coding-DNA position 393, G replaced by A.
Protein change: p.Leu131=; no amino-acid change (leucine 131 retained).
Molecular consequence: synonymous variant. On other transcripts: non-coding transcript variant (1).
Genome position (GRCh38, 1-based): chr2:74,377,432, C>T on the plus strand (G>A on the coding strand, the complement: DCTN1 is on the minus strand). VCF-style: chr2-74377432-C-T. GRCh37 (hg19) VCF-style: chr2-74604559-C-T.
Other names: c.393G>A, p.Leu131= (NM_001135040.3, NM_001190837.2); c.342G>A, p.Leu114= (NM_001190836.2, NM_001378991.1, NM_001378992.1).
Identifiers: ClinVar variation 2946973 (VCV002946973.3), dbSNP rs2529211296, ClinGen allele CA426813399.